The following is an entry in ClinVar:

ClinVar aggregate classification (germline): Likely benign (0 of 4 stars; one submission).

Conditions:
PCSK1-related disorder. Also called: PCSK1-related condition.

Submission:

PreventionGenetics, part of Exact Sciences
Classification: Likely benign for PCSK1-related condition. Last evaluated: 2022-11-17. Review status: no assertion criteria provided. Collection method: clinical testing. Allele origin: germline.
Comment: This variant is classified as likely benign based on ACMG/AMP sequence variant interpretation guidelines (Richards et al. 2015 PMID: 25741868, with internal and published modifications).

NM_000439.5(PCSK1):c.710-3C>T

Genes: CAST (calpastatin; plus strand), PCSK1 (proprotein convertase subtilisin/kexin type 1; minus strand), LOC101929710 (uncharacterized LOC101929710; plus strand). Cytogenetic location: 5q15.
Variant type: single nucleotide variant.
Coding change: c.710-3C>T on transcript NM_000439.5 (MANE Select); 3 bases into the intron before coding-DNA position 710, C replaced by T.
Molecular consequence: intron variant.
Genome position (GRCh38, 1-based): chr5:96,412,493, G>A on the plus strand (C>T on the coding strand, the complement: PCSK1 is on the minus strand). VCF-style: chr5-96412493-G-A. GRCh37 (hg19) VCF-style: chr5-95748197-G-A.
Other names: c.-175+32841G>A (NM_001423254.1, NM_001423259.1, NM_001423255.1 and 6 more transcripts); c.-103+32841G>A (NM_001423253.1); c.-40+32841G>A (NM_001423258.1); c.569-3C>T (NM_001177875.2).
Identifiers: ClinVar variation 3354458 (VCV003354458.1).